The following is an entry in ClinVar:

ClinVar aggregate classification (germline): Uncertain significance (1 of 4 stars; one submission).

Submission:

Ambry Genetics
Classification: Uncertain significance. Last evaluated: 2023-08-11. Review status: criteria provided, single submitter. Criteria: Ambry Variant Classification Scheme 2023. Collection method: clinical testing. Allele origin: germline.
Comment: The p.P9S variant (also known as c.25C>T), located in coding exon 1 of the EGLN2 gene, results from a C to T substitution at nucleotide position 25. The proline at codon 9 is replaced by serine, an amino acid with similar properties. This amino acid position is conserved. In addition, this alteration is predicted to be tolerated by in silico analysis. Since supporting evidence is limited at this time, the clinical significance of this alteration remains unclear.

NM_080732.4(EGLN2):c.25C>T (p.Pro9Ser)

Genes: EGLN2 (egl-9 family hypoxia inducible factor 2; plus strand), RAB4B-EGLN2 (RAB4B-EGLN2 readthrough (NMD candidate); plus strand). Cytogenetic location: 19q13.2.
Variant type: single nucleotide variant.
Coding change: c.25C>T on transcript NM_080732.4 (MANE Select); coding-DNA position 25, C replaced by T.
Protein change: p.Pro9Ser; replaces proline 9 with serine.
Molecular consequence: missense variant. On other transcripts: non-coding transcript variant (1).
Genome position (GRCh38, 1-based): chr19:40,800,597, C>T. VCF-style: chr19-40800597-C-T. GRCh37 (hg19) VCF-style: chr19-41306502-C-T.
Other names: c.25C>T, p.Pro9Ser (NM_053046.4); short protein forms P9S.
Identifiers: ClinVar variation 2585716 (VCV002585716.2), dbSNP rs2515992445, ClinGen allele CA405954410.